The following is an entry in ClinVar:

NM_001366385.1(CARD14):c.1396G>A (p.Glu466Lys)

Gene: CARD14 (caspase recruitment domain family member 14; plus strand). Cytogenetic location: 17q25.3.
Variant type: single nucleotide variant.
Coding change: c.1396G>A on transcript NM_001366385.1 (MANE Select); coding-DNA position 1396, G replaced by A.
Protein change: p.Glu466Lys; replaces glutamic acid 466 with lysine.
Molecular consequence: missense variant. On other transcripts: non-coding transcript variant (1).
Genome position (GRCh38, 1-based): chr17:80,195,230, G>A. VCF-style: chr17-80195230-G-A. GRCh37 (hg19) VCF-style: chr17-78169029-G-A.
Other names: p.Glu466Lys; c.1396G>A, p.Glu466Lys (NM_001257970.1, NM_024110.4); c.685G>A, p.Glu229Lys (NM_052819.3); c.1396G>A (NM_024110.3); short protein forms E229K, E466K.
Identifiers: ClinVar variation 1043577 (VCV001043577.13), dbSNP rs140734867, ClinGen allele CA294870089.

ClinVar aggregate classification (germline): Uncertain significance. Review status: criteria provided, multiple submitters, no conflicts (2 of 4 stars). 4 submissions from 4 submitters: Uncertain significance (3). 1 of the submissions does not count toward it. Last evaluated 2025-10-19.

Conditions:
Inborn genetic diseases. Identifiers: MedGen C0950123, MeSH D030342.
CARD14-related disorder. Also called: CARD14-related condition.
Psoriasis 2. Identifiers: MedGen C1864497, MONDO:0011269, OMIM 602723.
Pityriasis rubra pilaris (PRP). Also called: Pityriasis rubra pilaris--familial type. Identifiers: Orphanet 2897, MedGen C0032027, MONDO:0100017, OMIM 173200, MONDO:0008251.

Allele frequency attached by ClinVar (database versions not stated): gnomAD exomes 0.00001; gnomAD 0.00005; TOPMed 0.00006; ESP Exome Variant Server 0.00008.
gnomAD v4.1: 35 of 1,611,440 alleles (0.0022%); highest among the groups gnomAD compares: African/African-American, 0.0067%; no homozygotes.

Submissions (4):

Labcorp Genetics (formerly Invitae), Labcorp
Classification: Uncertain significance for Pityriasis rubra pilaris; Psoriasis 2. Last evaluated: 2025-10-19. Review status: criteria provided, single submitter. Criteria: Invitae Variant Classification Sherloc (09022015). Collection method: clinical testing. Allele origin: germline.
Comment: This sequence change replaces glutamic acid, which is acidic and polar, with lysine, which is basic and polar, at codon 466 of the CARD14 protein (p.Glu466Lys). This variant is present in population databases (rs140734867, gnomAD 0.004%). This variant has not been reported in the literature in individuals affected with CARD14-related conditions. ClinVar contains an entry for this variant (Variation ID: 1043577). Invitae Evidence Modeling of protein sequence and biophysical properties (such as structural, functional, and spatial information, amino acid conservation, physicochemical variation, residue mobility, and thermodynamic stability) indicates that this missense variant is not expected to disrupt CARD14 protein function with a negative predictive value of 95%. In summary, the available evidence is currently insufficient to determine the role of this variant in disease. Therefore, it has been classified as a Variant of Uncertain Significance.

Ambry Genetics
Classification: Uncertain significance for Inborn genetic diseases. Last evaluated: 2024-03-01. Review status: criteria provided, single submitter. Criteria: Ambry Variant Classification Scheme 2023. Collection method: clinical testing. Allele origin: germline.

Mayo Clinic Laboratories, Mayo Clinic
Classification: Uncertain significance. Last evaluated: 2022-12-16. Review status: criteria provided, single submitter. Criteria: ACMG Guidelines, 2015. Collection method: clinical testing. Allele origin: germline. Observed: 1 variant allele.
Comment: BP4

PreventionGenetics, part of Exact Sciences
Classification: Uncertain significance for CARD14-related condition. Last evaluated: 2024-02-01. Review status: no assertion criteria provided. Collection method: clinical testing. Allele origin: germline. Not counted in ClinVar's aggregate classification.
Comment: The CARD14 c.1396G>A variant is predicted to result in the amino acid substitution p.Glu466Lys. To our knowledge, this variant has not been reported in the literature. This variant is reported in 0.0040% of alleles in individuals of African descent in gnomAD. At this time, the clinical significance of this variant is uncertain due to the absence of conclusive functional and genetic evidence.